The following is an entry in ClinVar:

ClinVar aggregate classification (germline): Likely benign. Review status: criteria provided, multiple submitters, no conflicts (2 of 4 stars). 3 submissions from 3 submitters: Likely benign (3). Last evaluated 2026-07-10.

Conditions:
Charcot-Marie-Tooth Neuropathy X. Identifiers: MedGen CN118851.
GJB1-related disorder. Also called: GJB1-related disorders; GJB1-related condition.

Allele frequency attached by ClinVar (database versions not stated): TOPMed below 0.00001; gnomAD exomes 0.00001.
gnomAD v4.1: 9 of 1,207,415 alleles (0.00075%); highest among the groups gnomAD compares: South Asian, 0.0018%; no homozygotes.

Submissions (3):

PreventionGenetics, part of Exact Sciences
Classification: Likely benign for GJB1-related condition. Last evaluated: 2026-07-10. Review status: criteria provided, single submitter. Criteria: ACMG Guidelines, 2015. Collection method: clinical testing. Allele origin: germline.
Comment: This variant is classified as likely benign based on ACMG/AMP sequence variant interpretation guidelines (Richards et al. 2015 PMID: 25741868, with internal and published modifications).

Labcorp Genetics (formerly Invitae), Labcorp
Classification: Likely benign for Charcot-Marie-Tooth Neuropathy X. Last evaluated: 2024-12-23. Review status: criteria provided, single submitter. Criteria: Invitae Variant Classification Sherloc (09022015). Collection method: clinical testing. Allele origin: germline.

Breakthrough Genomics
Classification: Likely benign. Review status: criteria provided, single submitter. Criteria: ACMG Guidelines, 2015. Collection method: not provided. Allele origin: germline. Inheritance: X-linked inheritance. Affected: yes.

NM_000166.6(GJB1):c.555C>T (p.Thr185=)

Gene: GJB1 (gap junction protein beta 1; plus strand). Cytogenetic location: Xq13.1.
Variant type: single nucleotide variant.
Coding change: c.555C>T on transcript NM_000166.6 (MANE Select); coding-DNA position 555, C replaced by T.
Protein change: p.Thr185=; no amino-acid change (threonine 185 retained).
Molecular consequence: synonymous variant.
Genome position (GRCh38, 1-based): chrX:71,224,262, C>T. VCF-style: chrX-71224262-C-T. GRCh37 (hg19) VCF-style: chrX-70444112-C-T.
Other names: c.555C>T (NM_000166.5); c.555C>T, p.Thr185= (NM_001097642.3).
Identifiers: ClinVar variation 1129830 (VCV001129830.11), dbSNP rs1342096912, ClinGen allele CA516821171.